The following is an entry in ClinVar:

ClinVar aggregate classification (germline): Uncertain significance (1 of 4 stars; one submission).

Conditions:
Catecholaminergic polymorphic ventricular tachycardia 1. Also called: VENTRICULAR TACHYCARDIA, CATECHOLAMINERGIC POLYMORPHIC, 1, WITH OR WITHOUT ATRIAL DYSFUNCTION AND/OR DILATED CARDIOMYOPATHY; RYR2-Related Catecholaminergic Polymorphic Ventricular Tachycardia; VENTRICULAR TACHYCARDIA, STRESS-INDUCED POLYMORPHIC 1. Identifiers: Orphanet 3286, MedGen C1631597, MONDO:0011484, OMIM 604772.

Submission:

Labcorp Genetics (formerly Invitae), Labcorp
Classification: Uncertain significance for Catecholaminergic polymorphic ventricular tachycardia 1. Last evaluated: 2025-11-26. Review status: criteria provided, single submitter. Criteria: Invitae Variant Classification Sherloc (09022015). Collection method: clinical testing. Allele origin: germline.
Comment: This sequence change replaces glutamic acid, which is acidic and polar, with aspartic acid, which is acidic and polar, at codon 243 of the RYR2 protein (p.Glu243Asp). This variant is not present in population databases (gnomAD no frequency). This variant has not been reported in the literature in individuals affected with RYR2-related conditions. Invitae Evidence Modeling of protein sequence and biophysical properties (such as structural, functional, and spatial information, amino acid conservation, physicochemical variation, residue mobility, and thermodynamic stability) indicates that this missense variant is not expected to disrupt RYR2 protein function with a negative predictive value of 95%. In summary, the available evidence is currently insufficient to determine the role of this variant in disease. Therefore, it has been classified as a Variant of Uncertain Significance.

NM_001035.3(RYR2):c.729G>C (p.Glu243Asp)

Gene: RYR2 (ryanodine receptor 2; plus strand). Cytogenetic location: 1q43.
Variant type: single nucleotide variant.
Coding change: c.729G>C on transcript NM_001035.3 (MANE Select); coding-DNA position 729, G replaced by C.
Protein change: p.Glu243Asp; replaces glutamic acid 243 with aspartic acid.
Molecular consequence: missense variant.
Genome position (GRCh38, 1-based): chr1:237,388,139, G>C. VCF-style: chr1-237388139-G-C. GRCh37 (hg19) VCF-style: chr1-237551439-G-C.
Other names: short protein forms E243D.
Identifiers: ClinVar variation 4737015 (VCV004737015.1).